The following is an entry in ClinVar:

NM_000553.6(WRN):c.1195G>C (p.Glu399Gln)

Gene: WRN (WRN RecQ like helicase; plus strand). Cytogenetic location: 8p12.
Variant type: single nucleotide variant.
Coding change: c.1195G>C on transcript NM_000553.6 (MANE Select); coding-DNA position 1195, G replaced by C.
Protein change: p.Glu399Gln; replaces glutamic acid 399 with glutamine.
Molecular consequence: missense variant.
Genome position (GRCh38, 1-based): chr8:31,081,222, G>C. VCF-style: chr8-31081222-G-C. GRCh37 (hg19) VCF-style: chr8-30938738-G-C.
Other names: short protein forms E399Q.
Identifiers: ClinVar variation 1444213 (VCV001444213.8), dbSNP rs1487292951, ClinGen allele CA370921200.

ClinVar aggregate classification (germline): Uncertain significance (1 of 4 stars; one submission).

Conditions:
Werner syndrome (WRN). Identifiers: Orphanet 902, MedGen C0043119, MONDO:0010196, OMIM 277700.

Allele frequency attached by ClinVar (database versions not stated): gnomAD exomes below 0.00001; gnomAD 0.00001; TOPMed 0.00001.
gnomAD v4.1: 3 of 1,612,950 alleles (0.00019%); highest among the groups gnomAD compares: African/African-American, 0.004%; no homozygotes.

Submission:

Labcorp Genetics (formerly Invitae), Labcorp
Classification: Uncertain significance for Werner syndrome. Last evaluated: 2025-07-30. Review status: criteria provided, single submitter. Criteria: Invitae Variant Classification Sherloc (09022015). Collection method: clinical testing. Allele origin: germline.
Comment: This sequence change replaces glutamic acid, which is acidic and polar, with glutamine, which is neutral and polar, at codon 399 of the WRN protein (p.Glu399Gln). This variant is not present in population databases (gnomAD no frequency). This variant has not been reported in the literature in individuals affected with WRN-related conditions. ClinVar contains an entry for this variant (Variation ID: 1444213). An algorithm developed to predict the effect of missense changes on protein structure and function (PolyPhen-2) suggests that this variant is likely to be disruptive. In summary, the available evidence is currently insufficient to determine the role of this variant in disease. Therefore, it has been classified as a Variant of Uncertain Significance.